The following is an entry in ClinVar:

NM_006035.4(CDC42BPB):c.1624_1626del (p.Lys542del)

Gene: CDC42BPB (CDC42 binding protein kinase beta; minus strand). Cytogenetic location: 14q32.32.
Variant type: Deletion.
Coding change: c.1624_1626del on transcript NM_006035.4 (MANE Select); coding-DNA positions 1624 to 1626, 3 bases deleted (AAG; older notation c.1624_1626delAAG).
Protein change: p.Lys542del; deletes lysine 542.
Genome position (GRCh38, 1-based): chr14:102,974,031-102,974,033, CTT deleted on the plus strand (AAG on the coding strand, the reverse complement: CDC42BPB is on the minus strand); deleting any 3 consecutive bases within chr14:102,974,031-102,974,035 gives the same sequence; the c. name uses the placement nearest the transcript's 3' end. VCF-style (leftmost placement, unchanged base first): chr14-102974030-CCTT-C. GRCh37 (hg19) VCF-style: chr14-103440367-CCTT-C.
Other names: c.1624_1626del, p.Lys542del (NM_001411054.1); short protein forms K542del.
Identifiers: ClinVar variation 3900442 (VCV003900442.1).

ClinVar aggregate classification (germline): Uncertain significance (1 of 4 stars; one submission).

Submission:

GeneDx
Classification: Uncertain significance. Last evaluated: 2024-11-21. Review status: criteria provided, single submitter. Criteria: GeneDx Variant Classification Process June 2021. Collection method: clinical testing. Allele origin: germline. Affected: yes.
Comment: Not observed at significant frequency in large population cohorts (gnomAD); In-frame deletion of 1 amino acid in a non-repeat region; In silico analysis supports a deleterious effect on protein structure/function; Has not been previously published as pathogenic or benign to our knowledge